The following is an entry in ClinVar:

ClinVar aggregate classification (germline): Uncertain significance. Review status: criteria provided, multiple submitters, no conflicts (2 of 4 stars). 2 submissions from 2 submitters: Uncertain significance (2). Last evaluated 2025-02-19.

Conditions:
Inborn genetic diseases. Identifiers: MedGen C0950123, MeSH D030342.

Allele frequency attached by ClinVar (database versions not stated): ExAC 0.00001; gnomAD 0.00001; TOPMed 0.00001.
gnomAD v4.1: 51 of 1,612,606 alleles (0.0032%); highest among the groups gnomAD compares: Non-Finnish European, 0.0042%; no homozygotes.

Submissions (2):

Labcorp Genetics (formerly Invitae), Labcorp
Classification: Uncertain significance. Last evaluated: 2025-02-19. Review status: criteria provided, single submitter. Criteria: Invitae Variant Classification Sherloc (09022015). Collection method: clinical testing. Allele origin: germline.
Comment: This sequence change replaces leucine, which is neutral and non-polar, with valine, which is neutral and non-polar, at codon 1352 of the FN1 protein (p.Leu1352Val). This variant is present in population databases (rs776836098, gnomAD 0.002%). This variant has not been reported in the literature in individuals affected with FN1-related conditions. ClinVar contains an entry for this variant (Variation ID: 1990729). An algorithm developed to predict the effect of missense changes on protein structure and function (PolyPhen-2) suggests that this variant is likely to be disruptive. In summary, the available evidence is currently insufficient to determine the role of this variant in disease. Therefore, it has been classified as a Variant of Uncertain Significance.

Ambry Genetics
Classification: Uncertain significance for Inborn genetic diseases. Last evaluated: 2023-01-23. Review status: criteria provided, single submitter. Criteria: Ambry Variant Classification Scheme 2023. Collection method: clinical testing. Allele origin: germline.

NM_212482.4(FN1):c.4054C>G (p.Leu1352Val)

Gene: FN1 (fibronectin 1; minus strand). Cytogenetic location: 2q35.
Variant type: single nucleotide variant.
Coding change: c.4054C>G on transcript NM_212482.4 (MANE Select); coding-DNA position 4054, C replaced by G.
Protein change: p.Leu1352Val; replaces leucine 1352 with valine.
Molecular consequence: missense variant. On other transcripts: intron variant (10).
Genome position (GRCh38, 1-based): chr2:215,392,946, G>C on the plus strand (C>G on the coding strand, the complement: FN1 is on the minus strand). VCF-style: chr2-215392946-G-C. GRCh37 (hg19) VCF-style: chr2-216257669-G-C.
Other names: c.4054C>G (NM_212482.1); c.4054C>G, p.Leu1352Val (NM_001306129.2, NM_001306130.2, NM_001365517.2 and 3 more transcripts); c.3797-1132C>G (NM_212474.3, NM_001306132.2, NM_001365523.2 and 7 more transcripts); short protein forms L1352V.
Identifiers: ClinVar variation 1990729 (VCV001990729.6), dbSNP rs776836098, ClinGen allele CA2094549.